The following is an entry in ClinVar:

NM_001184.4(ATR):c.423T>C (p.Ile141=)

Gene: ATR (ATR checkpoint kinase; minus strand). Cytogenetic location: 3q23.
Variant type: single nucleotide variant.
Coding change: c.423T>C on transcript NM_001184.4 (MANE Select); coding-DNA position 423, T replaced by C.
Protein change: p.Ile141=; no amino-acid change (isoleucine 141 retained).
Molecular consequence: synonymous variant.
Genome position (GRCh38, 1-based): chr3:142,562,979, A>G on the plus strand (T>C on the coding strand, the complement: ATR is on the minus strand). VCF-style: chr3-142562979-A-G. GRCh37 (hg19) VCF-style: chr3-142281821-A-G.
Other names: c.423T>C, p.Ile141= (NM_001354579.2).
Identifiers: ClinVar variation 157983 (VCV000157983.47), dbSNP rs10935466, ClinGen allele CA345978.
Genomic context (GRCh38, chr3:142,562,979, plus strand): 5'-TCTATGGAGGTAAACCAAGTCTTCAAAAAGTTGTAATAATTCTTTTGTGAGTACCCCAAA[A>G]ATAGCAGGACTCTTGCTTTTAAAAAGAAATAATAATGAACAGATGACTTCACAGATTTTC-3'
Protein context (NP_001175.2, residues 131-151): LFLFKSKSPA[Ile141=]FGVLTKELLQ

ClinVar aggregate classification (germline): Benign/Likely benign. Review status: criteria provided, multiple submitters, no conflicts (2 of 4 stars). 8 submissions from 7 submitters: Benign (4); Likely benign (4). Last evaluated 2026-09-01.

Conditions:
Inborn genetic diseases. Identifiers: MedGen C0950123, MeSH D030342.
Familial cutaneous telangiectasia and oropharyngeal predisposition cancer syndrome. Identifiers: Orphanet 313846, MedGen C3281203, MONDO:0013806, OMIM 614564.
Seckel syndrome 1 (SCKL1). Also called: MICROCEPHALIC PRIMORDIAL DWARFISM I. Identifiers: Orphanet 808, MedGen C4551474, MONDO:0008869, OMIM 210600.

Allele frequency attached by ClinVar (database versions not stated): gnomAD exomes 0.00038 and 0.00102; ExAC 0.00132; 1000 Genomes Project 0.00240; 1000 Genomes Project 30x 0.00328; gnomAD 0.00386 and 0.00416; TOPMed 0.00431; ESP Exome Variant Server 0.00508.
gnomAD v4.1: 1,144 of 1,607,622 alleles (0.071%); highest among the groups gnomAD compares: African/African-American, 1.4%; 11 homozygotes.

Submissions (8):

CeGaT Center for Human Genetics Tuebingen
Classification: Likely benign. Last evaluated: 2026-09-01. Review status: criteria provided, single submitter. Criteria: CeGaT Center For Human Genetics Tuebingen Variant Classification Criteria Version 2. Collection method: clinical testing. Allele origin: germline. Affected: yes. Observed: 4 variant alleles.
Comment: ATR: BP4, BS1

Labcorp Genetics (formerly Invitae), Labcorp
Classification: Benign. Last evaluated: 2026-01-26. Review status: criteria provided, single submitter. Criteria: Invitae Variant Classification Sherloc (09022015). Collection method: clinical testing. Allele origin: germline.

Genome-Nilou Lab
Classification: Likely benign for Seckel syndrome 1. Last evaluated: 2023-02-08. Review status: criteria provided, single submitter. Criteria: ACMG Guidelines, 2015. Collection method: clinical testing. Allele origin: germline.

Genome-Nilou Lab
Classification: Likely benign for Familial cutaneous telangiectasia and oropharyngeal predisposition cancer syndrome. Last evaluated: 2023-02-08. Review status: criteria provided, single submitter. Criteria: ACMG Guidelines, 2015. Collection method: clinical testing. Allele origin: germline.

Ambry Genetics
Classification: Likely benign for Inborn genetic diseases. Last evaluated: 2022-02-12. Review status: criteria provided, single submitter. Criteria: Ambry Variant Classification Scheme 2023. Collection method: clinical testing. Allele origin: germline.

Genetic Services Laboratory, University of Chicago
Classification: Benign. Last evaluated: 2021-04-29. Review status: criteria provided, single submitter. Criteria: ACMG Guidelines, 2015. Collection method: clinical testing. Allele origin: germline. Affected: no.

Illumina Laboratory Services, Illumina
Classification: Benign for Seckel syndrome 1. Last evaluated: 2018-01-13. Review status: criteria provided, single submitter. Criteria: ICSL Variant Classification Criteria 13 December 2019. Collection method: clinical testing. Allele origin: germline.
Comment: This variant was observed in the ICSL laboratory as part of a predisposition screen in an ostensibly healthy population. It had not been previously curated by ICSL or reported in the Human Gene Mutation Database (HGMD: prior to June 1st, 2018), and was therefore a candidate for classification through an automated scoring system. Utilizing variant allele frequency, disease prevalence and penetrance estimates, and inheritance mode, an automated score was calculated to assess if this variant is too frequent to cause the disease. Based on the score and internal cut-off values, a variant classified as benign is not then subjected to further curation. The score for this variant resulted in a classification of benign for this disease.

Breakthrough Genomics
Classification: Benign. Review status: criteria provided, single submitter. Criteria: ACMG Guidelines, 2015. Collection method: not provided. Allele origin: germline. Inheritance: Autosomal recessive inheritance. Affected: yes.